The following is an entry in ClinVar:

NM_001042681.2(RERE):c.2396A>T (p.His799Leu)

Gene: RERE (arginine-glutamic acid dipeptide repeats; minus strand). Cytogenetic location: 1p36.23.
Variant type: single nucleotide variant.
Coding change: c.2396A>T on transcript NM_001042681.2 (MANE Select); coding-DNA position 2396, A replaced by T.
Protein change: p.His799Leu; replaces histidine 799 with leucine.
Molecular consequence: missense variant.
Genome position (GRCh38, 1-based): chr1:8,361,111, T>A on the plus strand (A>T on the coding strand, the complement: RERE is on the minus strand). VCF-style: chr1-8361111-T-A. GRCh37 (hg19) VCF-style: chr1-8421171-T-A.
Other names: c.734A>T, p.His245Leu (NM_001042682.2); c.2396A>T, p.His799Leu (NM_012102.4); short protein forms H245L, H799L.
Identifiers: ClinVar variation 3766028 (VCV003766028.1).

ClinVar aggregate classification (germline): Uncertain significance (1 of 4 stars; one submission).

Submission:

GeneDx
Classification: Uncertain significance. Last evaluated: 2024-09-02. Review status: criteria provided, single submitter. Criteria: GeneDx Variant Classification Process June 2021. Collection method: clinical testing. Allele origin: germline. Affected: yes.
Comment: Not observed at significant frequency in large population cohorts (gnomAD); In silico analysis indicates that this missense variant does not alter protein structure/function; Has not been previously published as pathogenic or benign to our knowledge